The following is an entry in ClinVar:

NM_001457.4(FLNB):c.7162T>C (p.Ser2388Pro)

Genes: FLNB (filamin B; plus strand), FLNB-AS1 (FLNB antisense RNA 1; minus strand). Cytogenetic location: 3p14.3.
Variant type: single nucleotide variant.
Coding change: c.7162T>C on transcript NM_001457.4 (MANE Select); coding-DNA position 7162, T replaced by C.
Protein change: p.Ser2388Pro; replaces serine 2388 with proline.
Molecular consequence: missense variant. On other transcripts: non-coding transcript variant (1).
Genome position (GRCh38, 1-based): chr3:58,163,294, T>C. VCF-style: chr3-58163294-T-C. GRCh37 (hg19) VCF-style: chr3-58149021-T-C.
Other names: c.7255T>C, p.Ser2419Pro (NM_001164317.2); c.7129T>C, p.Ser2377Pro (NM_001164318.2); c.7090T>C, p.Ser2364Pro (NM_001164319.2); short protein forms S2364P, S2377P, S2388P, S2419P.
Identifiers: ClinVar variation 1306340 (VCV001306340.2), dbSNP rs1172338396, ClinGen allele CA353364926.

ClinVar aggregate classification (germline): Uncertain significance (1 of 4 stars; one submission).

Submission:

GeneDx
Classification: Uncertain significance. Last evaluated: 2019-06-25. Review status: criteria provided, single submitter. Criteria: GeneDx Variant Classification Process June 2021. Collection method: clinical testing. Allele origin: germline. Affected: yes.
Comment: Not observed in large population cohorts (Lek et al., 2016); In silico analysis, which includes protein predictors and evolutionary conservation, supports a deleterious effect; Has not been previously published as pathogenic or benign to our knowledge